The following is an entry in ClinVar:

NM_022726.4(ELOVL4):c.229C>A (p.Leu77Ile)

Gene: ELOVL4 (ELOVL fatty acid elongase 4; minus strand). Cytogenetic location: 6q14.1.
Variant type: single nucleotide variant.
Coding change: c.229C>A on transcript NM_022726.4 (MANE Select); coding-DNA position 229, C replaced by A.
Protein change: p.Leu77Ile; replaces leucine 77 with isoleucine.
Molecular consequence: missense variant.
Genome position (GRCh38, 1-based): chr6:79,926,253, G>T on the plus strand (C>A on the coding strand, the complement: ELOVL4 is on the minus strand). VCF-style: chr6-79926253-G-T. GRCh37 (hg19) VCF-style: chr6-80635970-G-T.
Other names: short protein forms L77I.
Identifiers: ClinVar variation 937778 (VCV000937778.9), dbSNP rs753592451, ClinGen allele CA364657392.
Genomic context (GRCh38, chr6:79,926,253, plus strand): 5'-CCTCTCTGAAGATAAAGAGGTTAAGCAAAACCATCCCAAAATTATAGATAATGAGCACTA[G>T]ACGCATCTGAAAAGGTTCTCGGTCCTTCATCCATTTTGGACCCAGCCACACAAACAGGAG-3'
Protein context (NP_073563.1, residues 67-87): MKDREPFQMR[Leu77Ile]VLIIYNFGMV

ClinVar aggregate classification (germline): Uncertain significance (1 of 4 stars; one submission).

gnomAD v4.1: 1 of 1,613,888 alleles (0.000062%); highest among the groups gnomAD compares: Admixed American, 0.0017%; no homozygotes.

Submission:

Labcorp Genetics (formerly Invitae), Labcorp
Classification: Uncertain significance. Last evaluated: 2019-08-15. Review status: criteria provided, single submitter. Criteria: Invitae Variant Classification Sherloc (09022015). Collection method: clinical testing. Allele origin: germline.
Comment: In summary, the available evidence is currently insufficient to determine the role of this variant in disease. Therefore, it has been classified as a Variant of Uncertain Significance. Algorithms developed to predict the effect of missense changes on protein structure and function (SIFT, PolyPhen-2, Align-GVGD) all suggest that this variant is likely to be tolerated, but these predictions have not been confirmed by published functional studies and their clinical significance is uncertain. This variant has not been reported in the literature in individuals with ELOVL4-related conditions. This variant is not present in population databases (ExAC no frequency). This sequence change replaces leucine with isoleucine at codon 77 of the ELOVL4 protein (p.Leu77Ile). The leucine residue is moderately conserved and there is a small physicochemical difference between leucine and isoleucine.